The following is an entry in ClinVar:

ClinVar aggregate classification (germline): Conflicting classifications of pathogenicity. Review status: criteria provided, conflicting classifications (1 of 4 stars). 3 submissions from 3 submitters: Uncertain significance (1); Benign (1). 1 of the submissions does not count toward it. Last evaluated 2026-02-04.

Conditions:
Chitotriosidase deficiency (CHITD). Identifiers: MedGen C3279902, OMIM 614122, MONDO:0013586.

Allele frequency attached by ClinVar (database versions not stated): gnomAD exomes 0.00175; ExAC 0.00214; gnomAD 0.00636 and 0.00675; TOPMed 0.00702; ESP Exome Variant Server 0.00738; 1000 Genomes Project 0.00839; 1000 Genomes Project 30x 0.00906.
gnomAD v4.1: 1,860 of 1,614,232 alleles (0.12%); highest among the groups gnomAD compares: African/African-American, 2.2%; 23 homozygotes.

Submissions (3):

Labcorp Genetics (formerly Invitae), Labcorp
Classification: Benign for Chitotriosidase deficiency. Last evaluated: 2026-02-04. Review status: criteria provided, single submitter. Criteria: Invitae Variant Classification Sherloc (09022015). Collection method: clinical testing. Allele origin: germline.

Illumina Laboratory Services, Illumina
Classification: Uncertain significance for Chitotriosidase deficiency. Last evaluated: 2017-04-27. Review status: criteria provided, single submitter. Criteria: ICSL Variant Classification Criteria 13 December 2019. Collection method: clinical testing. Allele origin: germline.
Comment: This variant was observed as part of a predisposition screen in an ostensibly healthy population. A literature search was performed for the gene, cDNA change, and amino acid change (where applicable). Publications were found based on this search. However, the evidence from the literature, in combination with allele frequency data from public databases where available, was not sufficient to rule this variant in or out of causing disease. Therefore, this variant is classified as a variant of unknown significance.

Mayo Clinic Laboratories, Mayo Clinic
Classification: Benign. Last evaluated: 2015-10-22. Review status: no assertion criteria provided. Collection method: clinical testing. Allele origin: unknown. Not counted in ClinVar's aggregate classification.

Literature cited by the submitters: PubMed 27111557 (cited by Illumina Laboratory Services, Illumina).

NM_003465.3(CHIT1):c.1350C>T (p.Cys450=)

Gene: CHIT1 (chitinase 1; minus strand). Cytogenetic location: 1q32.1.
Variant type: single nucleotide variant.
Coding change: c.1350C>T on transcript NM_003465.3 (MANE Select); coding-DNA position 1350, C replaced by T.
Protein change: p.Cys450=; no amino-acid change (cysteine 450 retained).
Molecular consequence: synonymous variant. On other transcripts: non-coding transcript variant (2).
Genome position (GRCh38, 1-based): chr1:203,216,940, G>A on the plus strand (C>T on the coding strand, the complement: CHIT1 is on the minus strand). VCF-style: chr1-203216940-G-A. GRCh37 (hg19) VCF-style: chr1-203186068-G-A.
Other names: c.1293C>T, p.Cys431= (NM_001256125.2).
Identifiers: ClinVar variation 558929 (VCV000558929.15), dbSNP rs73066396, ClinGen allele CA1339574.